The following is an entry in ClinVar:

NM_020207.7(ERCC6L2):c.3674+3A>G

Gene: ERCC6L2 (ERCC excision repair 6 like 2; plus strand). Cytogenetic location: 9q22.32.
Variant type: single nucleotide variant.
Coding change: c.3674+3A>G on transcript NM_020207.7 (MANE Select); 3 bases into the intron after coding-DNA position 3674, A replaced by G.
Molecular consequence: intron variant.
Genome position (GRCh38, 1-based): chr9:96,004,704, A>G. VCF-style: chr9-96004704-A-G. GRCh37 (hg19) VCF-style: chr9-98766986-A-G.
Other names: c.3674+3A>G (NM_001375291.1, NM_001375292.1).
Identifiers: ClinVar variation 1016380 (VCV001016380.6), dbSNP rs372491749, ClinGen allele CA5139970.

ClinVar aggregate classification (germline): Uncertain significance (1 of 4 stars; one submission).

Allele frequency attached by ClinVar (database versions not stated): gnomAD exomes 0.00012 and 0.00017; gnomAD 0.00017; ExAC 0.00023; TOPMed 0.00023; ESP Exome Variant Server 0.00038.
gnomAD v4.1: 231 of 1,332,994 alleles (0.017%); highest among the groups gnomAD compares: Non-Finnish European, 0.021%; 1 homozygote.

Submission:

Labcorp Genetics (formerly Invitae), Labcorp
Classification: Uncertain significance. Last evaluated: 2026-01-25. Review status: criteria provided, single submitter. Criteria: Invitae Variant Classification Sherloc (09022015). Collection method: clinical testing. Allele origin: germline.
Comment: This sequence change falls in intron 18 of the ERCC6L2 gene. It does not directly change the encoded amino acid sequence of the ERCC6L2 protein. It affects a nucleotide within the consensus splice site. This variant is present in population databases (rs372491749, gnomAD 0.02%). This variant has not been reported in the literature in individuals affected with ERCC6L2-related conditions. ClinVar contains an entry for this variant (Variation ID: 1016380). Variants that disrupt the consensus splice site are a relatively common cause of aberrant splicing (PMID: 17576681, 9536098). Algorithms developed to predict the effect of sequence changes on RNA splicing suggest that this variant may disrupt the consensus splice site. In summary, the available evidence is currently insufficient to determine the role of this variant in disease. Therefore, it has been classified as a Variant of Uncertain Significance.

Literature cited by the submitters: PubMed 17576681; PubMed 9536098.